The following is an entry in ClinVar:

NM_015205.3(ATP11A):c.44C>T (p.Ala15Val)

Gene: ATP11A (ATPase phospholipid transporting 11A; plus strand). Cytogenetic location: 13q34.
Variant type: single nucleotide variant.
Coding change: c.44C>T on transcript NM_015205.3 (MANE Select); coding-DNA position 44, C replaced by T.
Protein change: p.Ala15Val; replaces alanine 15 with valine.
Molecular consequence: missense variant.
Genome position (GRCh38, 1-based): chr13:112,785,139, C>T. VCF-style: chr13-112785139-C-T. GRCh37 (hg19) VCF-style: chr13-113439453-C-T.
Other names: c.44C>T, p.Ala15Val (NM_001405661.1, NM_001405662.1, NM_001405663.1 and 1 more transcripts); short protein forms A15V.
Identifiers: ClinVar variation 3454764 (VCV003454764.2).
Genomic context (GRCh38, chr13:112,785,139, plus strand): 5'-AGAGCTTTTGATGCAGGTTCTGAGGCAGCTGCCTAACACCGCTCTCCTTTCCGCAGTGTG[C>T]AGGAGAAGAGAATTGGGTGGACAGCAGGACCATCTACGTGGGACACAGGGAGCCACCTCC-3'
Protein context (NP_056020.2, residues 5-25): LVRTLVHRYC[Ala15Val]GEENWVDSRT

ClinVar aggregate classification (germline): Uncertain significance. Review status: criteria provided, multiple submitters, no conflicts (2 of 4 stars). 2 submissions from 2 submitters: Uncertain significance (2). Last evaluated 2025-07-31.

Conditions:
ATP11A-related disorder. Also called: ATP11A-related condition.
Inborn genetic diseases. Identifiers: MedGen C0950123, MeSH D030342.

gnomAD v4.1: 15 of 1,539,764 alleles (0.00097%); highest among the groups gnomAD compares: African/African-American, 0.0098%; no homozygotes.

Submissions (2):

PreventionGenetics, part of Exact Sciences
Classification: Uncertain significance for ATP11A-related condition. Last evaluated: 2025-07-31. Review status: criteria provided, single submitter. Criteria: ACMG Guidelines, 2015. Collection method: clinical testing. Allele origin: germline.
Comment: The ATP11A c.44C>T variant is predicted to result in the amino acid substitution p.Ala15Val. To our knowledge, this variant has not been reported in the literature. This variant is reported in 0.0044% of alleles in individuals of Latino descent in gnomAD. At this time, the clinical significance of this variant is uncertain due to the absence of conclusive functional and genetic evidence.

Ambry Genetics
Classification: Uncertain significance for Inborn genetic diseases. Last evaluated: 2024-11-13. Review status: criteria provided, single submitter. Criteria: Ambry Variant Classification Scheme 2023. Collection method: clinical testing. Allele origin: germline.